The following is an entry in ClinVar:

ClinVar aggregate classification (germline): Likely benign. Review status: criteria provided, multiple submitters, no conflicts (2 of 4 stars). 2 submissions from 2 submitters: Likely benign (2). Last evaluated 2023-08-23.

Conditions:
Hereditary cancer-predisposing syndrome. Also called: Neoplastic Syndromes, Hereditary; Tumor predisposition; Hereditary neoplastic syndrome; Hereditary Cancer Syndrome. Identifiers: Orphanet 140162, MedGen C0027672, MeSH D009386, MONDO:0015356.
Breast-ovarian cancer, familial, susceptibility to, 2 (BROVCA2). Also called: BRCA2 Hereditary Breast and Ovarian Cancer. Identifiers: Orphanet 145, MedGen C2675520, MONDO:0012933, OMIM 612555. Disease mechanism: loss of function.

Allele frequency attached by ClinVar (database versions not stated): gnomAD exomes below 0.00001.
gnomAD v4.1: 1 of 1,613,900 alleles (0.000062%); highest among the groups gnomAD compares: Non-Finnish European, 0.000085%; no homozygotes.

Submissions (2):

All of Us Research Program, National Institutes of Health
Classification: Likely benign for Breast-ovarian cancer, familial, susceptibility to, 2. Last evaluated: 2023-08-23. Review status: criteria provided, single submitter. Criteria: ACMG Guidelines, 2015. Collection method: clinical testing. Allele origin: germline. Inheritance: Autosomal dominant inheritance. Observed: 1 variant allele, 1 heterozygote.
Comment: This study involves interpretation of variants in research participants for the purpose of population health screening. Participant phenotype was not available at the time of variant classification. Additional details can be found in publication PMID: 35346344, PMCID: PMC8962531

Ambry Genetics
Classification: Likely benign for Hereditary cancer-predisposing syndrome. Last evaluated: 2020-07-28. Review status: criteria provided, single submitter. Criteria: Ambry Variant Classification Scheme 2023. Collection method: clinical testing. Allele origin: germline.

NM_000059.4(BRCA2):c.7290A>G (p.Glu2430=)

Gene: BRCA2 (BRCA2 DNA repair associated; plus strand). Cytogenetic location: 13q13.1.
Variant type: single nucleotide variant.
Coding change: c.7290A>G on transcript NM_000059.4 (MANE Select); coding-DNA position 7290, A replaced by G.
Protein change: p.Glu2430=; no amino-acid change (glutamic acid 2430 retained).
Molecular consequence: synonymous variant. On other transcripts: non-coding transcript variant (1).
Genome position (GRCh38, 1-based): chr13:32,355,143, A>G. VCF-style: chr13-32355143-A-G. GRCh37 (hg19) VCF-style: chr13-32929280-A-G.
Other names: c.7194A>G, p.Glu2398= (NM_001406719.1); c.7290A>G, p.Glu2430= (NM_001406720.1); c.2358A>G, p.Glu786= (NM_001406721.1); c.873A>G, p.Glu291= (NM_001406722.1).
Identifiers: ClinVar variation 1758107 (VCV001758107.3), dbSNP rs2072681950, ClinGen allele CA483439412.
Genomic context (GRCh38, chr13:32,355,143, plus strand): 5'-TAAAACTAAATCACATTTTCACAGAGTTGAACAGTGTGTTAGGAATATTAACTTGGAGGA[A>G]AACAGACAAAAGCAAAACATTGATGGACATGGCTCTGATGATAGTAAAAATAAGATTAAT-3'
Protein context (NP_000050.3, residues 2420-2440): EQCVRNINLE[Glu2430=]NRQKQNIDGH